The following is an entry in ClinVar:

NM_016151.4(TAOK2):c.1009C>T (p.Pro337Ser)

Gene: TAOK2 (TAO kinase 2; plus strand). Cytogenetic location: 16p11.2.
Variant type: single nucleotide variant.
Coding change: c.1009C>T on transcript NM_016151.4 (MANE Select); coding-DNA position 1009, C replaced by T.
Protein change: p.Pro337Ser; replaces proline 337 with serine.
Molecular consequence: missense variant.
Genome position (GRCh38, 1-based): chr16:29,983,081, C>T. VCF-style: chr16-29983081-C-T. GRCh37 (hg19) VCF-style: chr16-29994402-C-T.
Other names: c.1009C>T, p.Pro337Ser (NM_001252043.2, NM_004783.4); short protein forms P337S.
Identifiers: ClinVar variation 4728451 (VCV004728451.1).

ClinVar aggregate classification (germline): Uncertain significance (1 of 4 stars; one submission).

Submission:

Labcorp Genetics (formerly Invitae), Labcorp
Classification: Uncertain significance. Last evaluated: 2025-10-09. Review status: criteria provided, single submitter. Criteria: Invitae Variant Classification Sherloc (09022015). Collection method: clinical testing. Allele origin: germline.
Comment: This sequence change replaces proline, which is neutral and non-polar, with serine, which is neutral and polar, at codon 337 of the TAOK2 protein (p.Pro337Ser). The frequency data for this variant in the population databases is considered unreliable, as metrics indicate poor data quality at this position in the gnomAD database. This variant has not been reported in the literature in individuals affected with TAOK2-related conditions. An algorithm developed to predict the effect of missense changes on protein structure and function (PolyPhen-2) suggests that this variant is likely to be tolerated. In summary, the available evidence is currently insufficient to determine the role of this variant in disease. Therefore, it has been classified as a Variant of Uncertain Significance.